The following is an entry in ClinVar:

NM_015072.5(TTLL5):c.603G>A (p.Leu201=)

Gene: TTLL5 (tubulin tyrosine ligase like 5; plus strand). Cytogenetic location: 14q24.3.
Variant type: single nucleotide variant.
Coding change: c.603G>A on transcript NM_015072.5 (MANE Select); coding-DNA position 603, G replaced by A.
Protein change: p.Leu201=; no amino-acid change (leucine 201 retained).
Molecular consequence: synonymous variant.
Genome position (GRCh38, 1-based): chr14:75,707,035, G>A. VCF-style: chr14-75707035-G-A. GRCh37 (hg19) VCF-style: chr14-76173378-G-A.
Other names: c.603G>A (NM_015072.4).
Identifiers: ClinVar variation 1114112 (VCV001114112.11), dbSNP rs753322914, ClinGen allele CA7279001.
Genomic context (GRCh38, chr14:75,707,035, plus strand): 5'-CCTGTGTATTTCTATTCTTTCATTCTTTCTCTTTACTCAATAGCCAAACCAGATCTCCCT[G>A]GAAGAGAACATTTTGGTCTCCCGTTACATTAACAACCCCCTGCTCATAGATGGTGAGTTG-3'
Protein context (NP_055887.3, residues 191-211): YLINNPNQIS[Leu201=]EENILVSRYI

ClinVar aggregate classification (germline): Likely benign. Review status: criteria provided, multiple submitters, no conflicts (2 of 4 stars). 3 submissions from 3 submitters: Likely benign (3). Last evaluated 2024-11-14.

Conditions:
TTLL5-related disorder. Also called: TTLL5-related condition.

Allele frequency attached by ClinVar (database versions not stated): gnomAD 0.00002 and 0.00003; gnomAD exomes 0.00002 and 0.00011; ExAC 0.00003.
gnomAD v4.1: 162 of 1,612,016 alleles (0.01%); highest among the groups gnomAD compares: East Asian, 0.25%; 2 homozygotes.

Submissions (3):

PreventionGenetics, part of Exact Sciences
Classification: Likely benign for TTLL5-related condition. Last evaluated: 2024-11-14. Review status: criteria provided, single submitter. Criteria: ACMG Guidelines, 2015. Collection method: clinical testing. Allele origin: germline.
Comment: This variant is classified as likely benign based on ACMG/AMP sequence variant interpretation guidelines (Richards et al. 2015 PMID: 25741868, with internal and published modifications).

Blueprint Genetics
Classification: Likely benign. Last evaluated: 2022-08-09. Review status: criteria provided, single submitter. Criteria: ACMG Guidelines, 2015. Collection method: clinical testing. Allele origin: germline.

Labcorp Genetics (formerly Invitae), Labcorp
Classification: Likely benign. Last evaluated: 2022-02-24. Review status: criteria provided, single submitter. Criteria: Invitae Variant Classification Sherloc (09022015). Collection method: clinical testing. Allele origin: germline.